The following is an entry in ClinVar:

NM_177438.3(DICER1):c.5179C>G (p.His1727Asp)

Gene: DICER1 (dicer 1, ribonuclease III; minus strand). Cytogenetic location: 14q32.13.
Variant type: single nucleotide variant.
Coding change: c.5179C>G on transcript NM_177438.3 (MANE Select); coding-DNA position 5179, C replaced by G.
Protein change: p.His1727Asp; replaces histidine 1727 with aspartic acid.
Molecular consequence: missense variant. On other transcripts: non-coding transcript variant (6).
Genome position (GRCh38, 1-based): chr14:95,094,073, G>C on the plus strand (C>G on the coding strand, the complement: DICER1 is on the minus strand). VCF-style: chr14-95094073-G-C. GRCh37 (hg19) VCF-style: chr14-95560410-G-C.
Other names: c.5179C>G, p.His1727Asp (NM_001195573.1, NM_001271282.3, NM_001291628.2 and 9 more transcripts); c.4897C>G, p.His1633Asp (NM_001395686.1); c.4774C>G, p.His1592Asp (NM_001395687.1, NM_001395688.1, NM_001395689.1 and 1 more transcripts); c.4612C>G, p.His1538Asp (NM_001395691.1); c.3496C>G, p.His1166Asp (NM_001395697.1); short protein forms H1592D, H1633D, H1166D, H1538D, H1727D.
Identifiers: ClinVar variation 2560994 (VCV002560994.2), dbSNP rs2139814448, ClinGen allele CA390865271.

ClinVar aggregate classification (germline): Uncertain significance (1 of 4 stars; one submission).

Conditions:
Hereditary cancer-predisposing syndrome. Also called: Neoplastic Syndromes, Hereditary; Hereditary Cancer Syndrome; Hereditary neoplastic syndrome; Tumor predisposition. Identifiers: Orphanet 140162, MedGen C0027672, MeSH D009386, MONDO:0015356.

Submission:

Ambry Genetics
Classification: Uncertain significance for Hereditary cancer-predisposing syndrome. Last evaluated: 2023-05-26. Review status: criteria provided, single submitter. Criteria: Ambry Variant Classification Scheme 2023. Collection method: clinical testing. Allele origin: germline.
Comment: The p.H1727D variant (also known as c.5179C>G), located in coding exon 23 of the DICER1 gene, results from a C to G substitution at nucleotide position 5179. The histidine at codon 1727 is replaced by aspartic acid, an amino acid with similar properties. This amino acid position is conserved. In addition, this alteration is predicted to be deleterious by in silico analysis. Since supporting evidence is limited at this time, the clinical significance of this alteration remains unclear.